The following is an entry in ClinVar:

ClinVar aggregate classification (germline): Uncertain significance. Review status: criteria provided, multiple submitters, no conflicts (2 of 4 stars). 2 submissions from 2 submitters: Uncertain significance (2). Last evaluated 2025-02-12.

Conditions:
Inborn genetic diseases. Identifiers: MedGen C0950123, MeSH D030342.

gnomAD v4.1: 12 of 1,613,752 alleles (0.00074%); highest among the groups gnomAD compares: Non-Finnish European, 0.00093%; no homozygotes.

Submissions (2):

Ambry Genetics
Classification: Uncertain significance for Inborn genetic diseases. Last evaluated: 2025-02-12. Review status: criteria provided, single submitter. Criteria: Ambry Variant Classification Scheme 2023. Collection method: clinical testing. Allele origin: germline.

GeneDx
Classification: Uncertain significance. Last evaluated: 2025-02-09. Review status: criteria provided, single submitter. Criteria: GeneDx Variant Classification Process June 2021. Collection method: clinical testing. Allele origin: germline. Affected: yes.
Comment: Not observed at significant frequency in large population cohorts (gnomAD); In silico analysis supports that this missense variant has a deleterious effect on protein structure/function; Has not been previously published as pathogenic or benign to our knowledge; This variant is associated with the following publications: (PMID: 24438169)

NM_001130987.2(DYSF):c.3257G>T (p.Gly1086Val)

Gene: DYSF (dysferlin; plus strand). Cytogenetic location: 2p13.2.
Variant type: single nucleotide variant.
Coding change: c.3257G>T on transcript NM_001130987.2 (MANE Select); coding-DNA position 3257, G replaced by T.
Protein change: p.Gly1086Val; replaces glycine 1086 with valine.
Molecular consequence: missense variant.
Genome position (GRCh38, 1-based): chr2:71,574,226, G>T. VCF-style: chr2-71574226-G-T. GRCh37 (hg19) VCF-style: chr2-71801356-G-T.
Other names: c.3206G>T, p.Gly1069Val (NM_001130455.2, NM_001130983.2); c.3161G>T, p.Gly1054Val (NM_001130976.2, NM_001130977.2); c.3203G>T, p.Gly1068Val (NM_001130978.2, NM_003494.4); c.3296G>T, p.Gly1099Val (NM_001130979.2); c.3254G>T, p.Gly1085Val (NM_001130980.2, NM_001130981.2); c.3299G>T, p.Gly1100Val (NM_001130982.2); c.3164G>T, p.Gly1055Val (NM_001130984.2, NM_001130986.2); c.3257G>T, p.Gly1086Val (NM_001130985.2); short protein forms G1054V, G1055V, G1068V, G1069V, G1085V, G1086V, G1099V, G1100V.
Identifiers: ClinVar variation 1214914 (VCV001214914.5), dbSNP rs753826832, ClinGen allele CA347218037.
Genomic context (GRCh38, chr2:71,574,226, plus strand): 5'-CGGCCTCTGAGTCTGCCCCTTCTCTTGTGCAGCACAGGCAGGCGGAGGCGGAGGGCGAGG[G>T]CTGGGAGTACGCCTCTCTTTTTGGCTGGAAGTTCCACCTCGAGTACCGCAAGACAGATGC-3'
Protein context (NP_001124459.1, residues 1076-1096): RHRQAEAEGE[Gly1086Val]WEYASLFGWK